The following is an entry in ClinVar:

ClinVar aggregate classification (germline): Pathogenic (1 of 4 stars; one submission).

Conditions:
Fetal anomalies with a likely genetic cause.

gnomAD v4.1: 1 of 1,612,428 alleles (0.000062%); highest among the groups gnomAD compares: Non-Finnish European, 0.000085%; no homozygotes.

Submission:

Genetics Laboratory, Great Ormond Street Hospital NHS Foundation Trust, North Thames Genomic Laboratory Hub
Classification: Pathogenic for Fetal anomalies with a likely genetic cause. Last evaluated: 2026-09-07. Review status: criteria provided, single submitter. Criteria: ACGS Best Practice Guidelines for Variant Classification in Rare Disease 2024 v1.2. Collection method: clinical testing. Allele origin: germline. Affected: yes.
Comment: PM2_moderate, PVS1_very-strong

NM_000512.5(GALNS):c.1364+1G>T

Gene: GALNS (galactosamine (N-acetyl)-6-sulfatase; minus strand). Cytogenetic location: 16q24.3.
Variant type: single nucleotide variant.
Coding change: c.1364+1G>T on transcript NM_000512.5 (MANE Select); the canonical splice donor site of the intron after coding-DNA position 1364, G replaced by T.
Molecular consequence: splice donor variant.
Genome position (GRCh38, 1-based): chr16:88,822,588, C>A on the plus strand (G>T on the coding strand, the complement: GALNS is on the minus strand). VCF-style: chr16-88822588-C-A. GRCh37 (hg19) VCF-style: chr16-88888996-C-A.
Other names: c.809+1G>T (NM_001323543.2); c.1382+1G>T (NM_001323544.2).
Identifiers: ClinVar variation 5042062 (VCV005042062.1).